The following is an entry in ClinVar:

NM_006031.6(PCNT):c.6039_6040del (p.Cys2014fs)

Gene: PCNT (pericentrin; plus strand). Cytogenetic location: 21q22.3.
Variant type: Microsatellite.
Coding change: c.6039_6040del on transcript NM_006031.6 (MANE Select); coding-DNA positions 6039 to 6040, 2 bases deleted (CT; older notation c.6039_6040delCT).
Protein change: p.Cys2014fs; shifts the reading frame from cysteine 2014.
Molecular consequence: frameshift variant.
Genome position (GRCh38, 1-based): chr21:46,412,881-46,412,882, CT deleted; deleting any 2 consecutive bases within chr21:46,412,877-46,412,882 gives the same sequence; the c. name uses the placement nearest the transcript's 3' end. VCF-style (leftmost placement, unchanged base first): chr21-46412876-CCT-C. GRCh37 (hg19) VCF-style: chr21-47832790-CCT-C.
Other names: c.6039_6040delCT (NM_006031.5); c.5685_5686del, p.Cys1896fs (NM_001315529.2); short protein forms C1896fs, C2014fs.
Identifiers: ClinVar variation 2977884 (VCV002977884.4), dbSNP rs2518782641, ClinGen allele CA2740094762.

ClinVar aggregate classification (germline): Pathogenic/Likely pathogenic. Review status: criteria provided, multiple submitters, no conflicts (2 of 4 stars). 2 submissions from 2 submitters: Pathogenic (1); Likely pathogenic (1). Last evaluated 2024-11-11.

Conditions:
PCNT-related disorder. Also called: PCNT-related condition.

Submissions (2):

PreventionGenetics, part of Exact Sciences
Classification: Likely pathogenic for PCNT-related condition. Last evaluated: 2024-11-11. Review status: criteria provided, single submitter. Criteria: ACMG Guidelines, 2015. Collection method: clinical testing. Allele origin: germline.
Comment: The PCNT c.6039_6040delCT variant is predicted to result in a frameshift and premature protein termination (p.Cys2014Glnfs*26). To our knowledge, this variant has not been reported in the literature or in a large population database, indicating this variant is rare. Frameshift variants in PCNT are expected to be pathogenic. This variant is interpreted as likely pathogenic.

Labcorp Genetics (formerly Invitae), Labcorp
Classification: Pathogenic. Last evaluated: 2023-09-05. Review status: criteria provided, single submitter. Criteria: Invitae Variant Classification Sherloc (09022015). Collection method: clinical testing. Allele origin: germline.
Comment: For these reasons, this variant has been classified as Pathogenic. This sequence change creates a premature translational stop signal (p.Cys2014Glnfs*26) in the PCNT gene. It is expected to result in an absent or disrupted protein product. Loss-of-function variants in PCNT are known to be pathogenic (PMID: 18174396, 22821869). This variant is not present in population databases (gnomAD no frequency). This variant has not been reported in the literature in individuals affected with PCNT-related conditions.

Literature cited by the submitters: PubMed 18174396 (cited by Labcorp Genetics (formerly Invitae), Labcorp); PubMed 22821869 (cited by Labcorp Genetics (formerly Invitae), Labcorp).